The following is an entry in ClinVar:

ClinVar aggregate classification (germline): Uncertain significance (1 of 4 stars; one submission).

Conditions:
Hermansky-Pudlak syndrome 2 (HPS2). Also called: Platelet defects and oculocutaneous albinism. Identifiers: Orphanet 183678, Orphanet 79430, MedGen C1842362, MONDO:0011997, OMIM 608233.

gnomAD v4.1: 4 of 1,613,874 alleles (0.00025%); highest among the groups gnomAD compares: Non-Finnish European, 0.00034%; no homozygotes.

Submission:

Labcorp Genetics (formerly Invitae), Labcorp
Classification: Uncertain significance for Hermansky-Pudlak syndrome 2. Last evaluated: 2025-04-28. Review status: criteria provided, single submitter. Criteria: Invitae Variant Classification Sherloc (09022015). Collection method: clinical testing. Allele origin: germline.
Comment: This sequence change falls in intron 7 of the AP3B1 gene. It does not directly change the encoded amino acid sequence of the AP3B1 protein. It affects a nucleotide within the consensus splice site. This variant is not present in population databases (gnomAD no frequency). This variant has not been reported in the literature in individuals affected with AP3B1-related conditions. Variants that disrupt the consensus splice site are a relatively common cause of aberrant splicing (PMID: 17576681, 9536098). Algorithms developed to predict the effect of sequence changes on RNA splicing suggest that this variant is not likely to affect RNA splicing. In summary, the available evidence is currently insufficient to determine the role of this variant in disease. Therefore, it has been classified as a Variant of Uncertain Significance.

Literature cited by the submitters: PubMed 17576681; PubMed 9536098.

NM_003664.5(AP3B1):c.786+5G>A

Gene: AP3B1 (adaptor related protein complex 3 subunit beta 1; minus strand). Cytogenetic location: 5q14.1.
Variant type: single nucleotide variant.
Coding change: c.786+5G>A on transcript NM_003664.5 (MANE Select); 5 bases into the intron after coding-DNA position 786, G replaced by A.
Molecular consequence: intron variant.
Genome position (GRCh38, 1-based): chr5:78,216,050, C>T on the plus strand (G>A on the coding strand, the complement: AP3B1 is on the minus strand). VCF-style: chr5-78216050-C-T. GRCh37 (hg19) VCF-style: chr5-77511874-C-T.
Other names: c.639+5G>A (NM_001271769.2); c.786+5G>A (NM_001410752.1).
Identifiers: ClinVar variation 4765180 (VCV004765180.1).